The following is an entry in ClinVar:

NM_024757.5(EHMT1):c.3705C>T (p.Gly1235=)

Gene: EHMT1 (euchromatic histone lysine methyltransferase 1; plus strand). Cytogenetic location: 9q34.3.
Variant type: single nucleotide variant.
Coding change: c.3705C>T on transcript NM_024757.5 (MANE Select); coding-DNA position 3705, C replaced by T.
Protein change: p.Gly1235=; no amino-acid change (glycine 1235 retained).
Molecular consequence: synonymous variant.
Genome position (GRCh38, 1-based): chr9:137,834,513, C>T. VCF-style: chr9-137834513-C-T. GRCh37 (hg19) VCF-style: chr9-140728965-C-T.
Other names: c.3684C>T, p.Gly1228= (NM_001354263.2).
Identifiers: ClinVar variation 3685894 (VCV003685894.2).

ClinVar aggregate classification (germline): Uncertain significance (1 of 4 stars; one submission).

Conditions:
Kleefstra syndrome 1 (KLEFS1). Identifiers: Orphanet 261494, MedGen C0795833, MONDO:0027407, OMIM 610253.

gnomAD v4.1: 2 of 1,610,940 alleles (0.00012%); highest among the groups gnomAD compares: Non-Finnish European, 0.00017%; no homozygotes.

Submission:

Labcorp Genetics (formerly Invitae), Labcorp
Classification: Uncertain significance for Kleefstra syndrome 1. Last evaluated: 2024-06-10. Review status: criteria provided, single submitter. Criteria: Invitae Variant Classification Sherloc (09022015). Collection method: clinical testing. Allele origin: germline.
Comment: This sequence change affects codon 1235 of the EHMT1 mRNA. It is a 'silent' change, meaning that it does not change the encoded amino acid sequence of the EHMT1 protein. This variant is not present in population databases (gnomAD no frequency). This variant has not been reported in the literature in individuals affected with EHMT1-related conditions. Algorithms developed to predict the effect of sequence changes on RNA splicing suggest that this variant may disrupt the consensus splice site. In summary, the available evidence is currently insufficient to determine the role of this variant in disease. Therefore, it has been classified as a Variant of Uncertain Significance.